The following is an entry in ClinVar:

ClinVar aggregate classification (germline): Uncertain significance. Review status: criteria provided, multiple submitters, no conflicts (2 of 4 stars). 3 submissions from 3 submitters: Uncertain significance (3). Last evaluated 2025-08-18.

Conditions:
Hypertrophic cardiomyopathy. Also called: HYPERTROPHIC MYOCARDIOPATHY. Identifiers: Orphanet 217569, MedGen C0007194, MeSH D002312, MONDO:0005045, HP:0001639.
Cardiomyopathy (CMYO). Also called: Cardiomyopathies. Identifiers: Orphanet 167848, MedGen C0878544, MONDO:0004994, HP:0001638. Inheritance: Various modes of inheritance.

Submissions (3):

Labcorp Genetics (formerly Invitae), Labcorp
Classification: Uncertain significance for Hypertrophic cardiomyopathy. Last evaluated: 2025-08-18. Review status: criteria provided, single submitter. Criteria: Invitae Variant Classification Sherloc (09022015). Collection method: clinical testing. Allele origin: germline.
Comment: This sequence change replaces glutamic acid, which is acidic and polar, with glycine, which is neutral and non-polar, at codon 1711 of the MYH7 protein (p.Glu1711Gly). This variant is not present in population databases (gnomAD no frequency). This variant has not been reported in the literature in individuals affected with MYH7-related conditions. ClinVar contains an entry for this variant (Variation ID: 1987751). Invitae Evidence Modeling of protein sequence and biophysical properties (such as structural, functional, and spatial information, amino acid conservation, physicochemical variation, residue mobility, and thermodynamic stability) indicates that this missense variant is expected to disrupt MYH7 protein function with a positive predictive value of 95%. In summary, the available evidence is currently insufficient to determine the role of this variant in disease. Therefore, it has been classified as a Variant of Uncertain Significance.

All of Us Research Program, National Institutes of Health
Classification: Uncertain significance for Cardiomyopathy. Last evaluated: 2024-04-16. Review status: criteria provided, single submitter. Criteria: ACMG Guidelines, 2015. Collection method: clinical testing. Allele origin: germline. Inheritance: Autosomal dominant inheritance. Observed: 1 variant allele, 1 heterozygote.
Comment: This missense variant replaces glutamic acid with glycine at codon 1711 of the MYH7 protein. Computational prediction suggests that this variant may have deleterious impact on protein structure and function (internally defined REVEL score threshold >= 0.7, PMID: 27666373). To our knowledge, functional studies have not been reported for this variant. This variant has not been reported in individuals affected with MYH7-related disorders in the literature. This variant has not been identified in the general population by the Genome Aggregation Database (gnomAD). The available evidence is insufficient to determine the role of this variant in disease conclusively. Therefore, this variant is classified as a Variant of Uncertain Significance.

This study involves interpretation of variants in research participants for the purpose of population health screening. Participant phenotype was not available at the time of variant classification. Additional details can be found in publication PMID: 35346344, PMCID: PMC8962531

Revvity Omics, Revvity
Classification: Uncertain significance. Last evaluated: 2022-03-07. Review status: criteria provided, single submitter. Criteria: ACMG Guidelines, 2015. Collection method: clinical testing. Allele origin: germline.

NM_000257.4(MYH7):c.5132A>G (p.Glu1711Gly)

Genes: MHRT (myosin heavy chain associated RNA transcript; plus strand), MYH7 (myosin heavy chain 7; minus strand), LOC126861897 (BRD4-independent group 4 enhancer GRCh37_chr14:23884455-23885654; plus strand). Cytogenetic location: 14q11.2.
Variant type: single nucleotide variant.
Coding change: c.5132A>G on transcript NM_000257.4 (MANE Select); coding-DNA position 5132, A replaced by G.
Protein change: p.Glu1711Gly; replaces glutamic acid 1711 with glycine.
Molecular consequence: missense variant. On other transcripts: non-coding transcript variant (1).
Genome position (GRCh38, 1-based): chr14:23,415,654, T>C on the plus strand (A>G on the coding strand, the complement: MYH7 is on the minus strand). VCF-style: chr14-23415654-T-C. GRCh37 (hg19) VCF-style: chr14-23884863-T-C.
Other names: c.5132A>G, p.Glu1711Gly (NM_001407004.1); short protein forms E1711G.
Identifiers: ClinVar variation 1987751 (VCV001987751.8), dbSNP rs2502242233, ClinGen allele CA389036899.